The following is an entry in ClinVar:

NM_001036.6(RYR3):c.1994T>C (p.Ile665Thr)

Gene: RYR3 (ryanodine receptor 3; plus strand). Cytogenetic location: 15q14.
Variant type: single nucleotide variant.
Coding change: c.1994T>C on transcript NM_001036.6 (MANE Select); coding-DNA position 1994, T replaced by C.
Protein change: p.Ile665Thr; replaces isoleucine 665 with threonine.
Molecular consequence: missense variant.
Genome position (GRCh38, 1-based): chr15:33,603,194, T>C. VCF-style: chr15-33603194-T-C. GRCh37 (hg19) VCF-style: chr15-33895395-T-C.
Other names: c.1994T>C (NM_001036.3); c.1994T>C, p.Ile665Thr (NM_001243996.4); short protein forms I665T.
Identifiers: ClinVar variation 568428 (VCV000568428.11), dbSNP rs780056230, ClinGen allele CA7458313.

ClinVar aggregate classification (germline): Uncertain significance. Review status: criteria provided, multiple submitters, no conflicts (2 of 4 stars). 2 submissions from 2 submitters: Uncertain significance (2). Last evaluated 2024-06-22.

Conditions:
Epileptic encephalopathy. Identifiers: MedGen C0543888, HP:0200134.

Allele frequency attached by ClinVar (database versions not stated): gnomAD 0.00001; gnomAD exomes 0.00002 and 0.00005; TOPMed 0.00003; ExAC 0.00002.
gnomAD v4.1: 29 of 1,613,804 alleles (0.0018%); highest among the groups gnomAD compares: Admixed American, 0.023%; no homozygotes.

Submissions (2):

Ambry Genetics
Classification: Uncertain significance. Last evaluated: 2024-06-22. Review status: criteria provided, single submitter. Criteria: Ambry Variant Classification Scheme 2023. Collection method: clinical testing. Allele origin: germline.

Labcorp Genetics (formerly Invitae), Labcorp
Classification: Uncertain significance for Epileptic encephalopathy. Last evaluated: 2023-07-07. Review status: criteria provided, single submitter. Criteria: Invitae Variant Classification Sherloc (09022015). Collection method: clinical testing. Allele origin: germline.
Comment: This sequence change replaces isoleucine, which is neutral and non-polar, with threonine, which is neutral and polar, at codon 665 of the RYR3 protein (p.Ile665Thr). This variant is present in population databases (rs780056230, gnomAD 0.04%). This variant has not been reported in the literature in individuals affected with RYR3-related conditions. ClinVar contains an entry for this variant (Variation ID: 568428). An algorithm developed to predict the effect of missense changes on protein structure and function (PolyPhen-2) suggests that this variant is likely to be tolerated. In summary, the available evidence is currently insufficient to determine the role of this variant in disease. Therefore, it has been classified as a Variant of Uncertain Significance.